The following is an entry in ClinVar:

ClinVar aggregate classification (germline): Uncertain significance. Review status: reviewed by expert panel (3 of 4 stars). 3 submissions from 3 submitters: Uncertain significance (1). 2 of the submissions do not count toward it. Last evaluated 2018-12-10.

Conditions:
Phenylketonuria (PKU). Also called: Phenylketonuria (PKU); FOLLING DISEASE; OLIGOPHRENIA PHENYLPYRUVICA; Phenylketonurias. Identifiers: Orphanet 716, MedGen C0031485, MONDO:0009861, OMIM 261600. Disease mechanism: loss of function.

Allele frequency attached by ClinVar (database versions not stated): gnomAD exomes below 0.00001; ExAC 0.00001.
gnomAD v4.1: 5 of 1,614,034 alleles (0.00031%); highest among the groups gnomAD compares: South Asian, 0.0055%; no homozygotes.

Submissions (3):

ClinGen PAH Variant Curation Expert Panel
Classification: Uncertain significance for Phenylketonuria. Last evaluated: 2018-12-10. Review status: reviewed by expert panel. Criteria: ClinGen PAH ACMG Specifications v1. Collection method: curation. Allele origin: germline. Inheritance: Autosomal recessive inheritance.
Comment: The c.740G>A (p.Gly247Asp) variant in PAH was reported in 2 patients with classic PKU. PMID: 20920871. This varant is predicted deleterious in SIFT, Polyphen2, MutationTaster, and REVEL=0.975. It has an extremely low frequency in ExAC/gnomAD (MAF 0.00003). In summary, this variant meets criteria to be classified as uncertain significance for PAH. PAH-specific ACMG/AMP criteria applied: PM2, PP4, PP3.

Labcorp Genetics (formerly Invitae), Labcorp
Classification: Pathogenic for Phenylketonuria. Last evaluated: 2025-08-14. Review status: criteria provided, single submitter. Criteria: Invitae Variant Classification Sherloc (09022015). Collection method: clinical testing. Allele origin: germline. Not counted in ClinVar's aggregate classification.
Comment: This sequence change replaces glycine, which is neutral and non-polar, with aspartic acid, which is acidic and polar, at codon 247 of the PAH protein (p.Gly247Asp). This variant is present in population databases (rs199475579, gnomAD 0.003%). This missense change has been observed in individual(s) with clinical features of PKU (PMID: 20920871; internal data). ClinVar contains an entry for this variant (Variation ID: 102817). Invitae Evidence Modeling of protein sequence and biophysical properties (such as structural, functional, and spatial information, amino acid conservation, physicochemical variation, residue mobility, and thermodynamic stability) indicates that this missense variant is expected to disrupt PAH protein function with a positive predictive value of 80%. This variant disrupts the p.Gly247 amino acid residue in PAH. Other variant(s) that disrupt this residue have been determined to be pathogenic (PMID: 16256386, 18985011). This suggests that this residue is clinically significant, and that variants that disrupt this residue are likely to be disease-causing. For these reasons, this variant has been classified as Pathogenic.

DeBelle Laboratory for Biochemical Genetics, MUHC/MCH RESEARCH INSTITUTE
No classification provided. Review status: no classification provided. Collection method: not provided. Allele origin: not provided. Not counted in ClinVar's aggregate classification.

Literature cited by the submitters: PubMed 20920871 (cited by ClinGen PAH Variant Curation Expert Panel and Labcorp Genetics (formerly Invitae), Labcorp); PubMed 16256386 (cited by Labcorp Genetics (formerly Invitae), Labcorp); PubMed 18985011 (cited by Labcorp Genetics (formerly Invitae), Labcorp).

NM_000277.3(PAH):c.740G>A (p.Gly247Asp)

Gene: PAH (phenylalanine hydroxylase; minus strand). Cytogenetic location: 12q23.2.
Variant type: single nucleotide variant.
Coding change: c.740G>A on transcript NM_000277.3 (MANE Select); coding-DNA position 740, G replaced by A.
Protein change: p.Gly247Asp; replaces glycine 247 with aspartic acid.
Molecular consequence: missense variant.
Genome position (GRCh38, 1-based): chr12:102,852,917, C>T on the plus strand (G>A on the coding strand, the complement: PAH is on the minus strand). VCF-style: chr12-102852917-C-T. GRCh37 (hg19) VCF-style: chr12-103246695-C-T.
Other names: NM_000277.2(PAH):c.740G>A; c.740G>A, p.Gly247Asp (NM_001354304.2); short protein forms G247D.
Identifiers: ClinVar variation 102817 (VCV000102817.6), dbSNP rs199475579, ClinGen allele CA229734.